The following is an entry in ClinVar:

NM_138694.4(PKHD1):c.5655_5656delinsT (p.Met1886fs)

Gene: PKHD1 (PKHD1 ciliary IPT domain containing fibrocystin/polyductin; minus strand). Cytogenetic location: 6p12.2.
Variant type: Indel.
Coding change: c.5655_5656delinsT on transcript NM_138694.4 (MANE Select); coding-DNA positions 5655 to 5656, CA replaced by T.
Protein change: p.Met1886fs; shifts the reading frame from methionine 1886.
Molecular consequence: frameshift variant.
Genome position (GRCh38, 1-based): chr6:52,010,404-52,010,405, TG replaced by A on the plus strand (CA replaced by T on the coding strand, the reverse complement: PKHD1 is on the minus strand). VCF-style: chr6-52010404-TG-A. GRCh37 (hg19) VCF-style: chr6-51875202-TG-A.
Other names: c.5655_5656delinsT, p.Met1886fs (NM_170724.3); short protein forms M1886fs.
Identifiers: ClinVar variation 4816699 (VCV004816699.1).

ClinVar aggregate classification (germline): Likely pathogenic (1 of 4 stars; one submission).

Conditions:
Autosomal recessive polycystic kidney disease (ARPKD). Also called: AR polycystic kidney disease. Identifiers: Orphanet 731, Orphanet 8378, MedGen C0085548, MeSH D017044, MONDO:0009889.

Submission:

Natera, Inc.
Classification: Likely pathogenic for Autosomal recessive polycystic kidney disease. Last evaluated: 2024-06-26. Review status: criteria provided, single submitter. Criteria: Natera Variant Classification Schema (03/2026). Collection method: clinical testing. Allele origin: germline.
Comment: The c.5655_5656delinsT variant in PKHD1 is a frameshift variant predicted to shift the reading frame beginning at codon 1886 and leads to a stop codon 88 codons downstream. This variant is expected to result in nonsense mediated decay, truncation, or a dysfunctional protein product. This variant is rare in the general population with a frequency below the threshold expected for the associated phenotype(s). Given the available evidence, this variant is classified as Likely Pathogenic.